The following is an entry in ClinVar:

ClinVar aggregate classification (germline): Benign (1 of 4 stars; one submission).

Conditions:
Frontotemporal dementia and/or amyotrophic lateral sclerosis 7 (FTDALS7). Also called: CHMP2B-related frontotemporal dementia; CHMP2B-Related Frontotemporal Dementia-Amyotrophic Lateral Sclerosis; AMYOTROPHIC LATERAL SCLEROSIS, CHMP2B-RELATED; Amyotrophic lateral sclerosis 17. Identifiers: Orphanet 275864, Orphanet 282, Orphanet 803, MedGen C1833296, MONDO:0010936, OMIM 600795.

Allele frequency attached by ClinVar (database versions not stated): TOPMed 0.00018; gnomAD 0.00120 and 0.00124; 1000 Genomes Project 30x 0.00125; 1000 Genomes Project 0.00140; gnomAD exomes 0.01402.
gnomAD v4.1: 186 of 152,266 alleles (0.12%); highest among the groups gnomAD compares: Non-Finnish European, 0.052%; 1 homozygote.

Submission:

Illumina Laboratory Services, Illumina
Classification: Benign for Frontotemporal dementia and/or amyotrophic lateral sclerosis 7. Last evaluated: 2018-01-13. Review status: criteria provided, single submitter. Criteria: ICSL Variant Classification Criteria 13 December 2019. Collection method: clinical testing. Allele origin: germline.
Comment: This variant was observed in the ICSL laboratory as part of a predisposition screen in an ostensibly healthy population. It had not been previously curated by ICSL or reported in the Human Gene Mutation Database (HGMD: prior to June 1st, 2018), and was therefore a candidate for classification through an automated scoring system. Utilizing variant allele frequency, disease prevalence and penetrance estimates, and inheritance mode, an automated score was calculated to assess if this variant is too frequent to cause the disease. Based on the score and internal cut-off values, a variant classified as benign is not then subjected to further curation. The score for this variant resulted in a classification of benign for this disease.

NM_014043.4(CHMP2B):c.*1610C>T

Gene: CHMP2B (charged multivesicular body protein 2B; plus strand). Cytogenetic location: 3p11.2.
Variant type: single nucleotide variant.
Coding change: c.*1610C>T on transcript NM_014043.4 (MANE Select); 1610 bases downstream of the stop codon, C replaced by T.
Molecular consequence: 3 prime UTR variant.
Genome position (GRCh38, 1-based): chr3:87,255,432, C>T. VCF-style: chr3-87255432-C-T. GRCh37 (hg19) VCF-style: chr3-87304582-C-T.
Other names: c.*1610C>T (NM_001244644.2).
Identifiers: ClinVar variation 903026 (VCV000903026.4), dbSNP rs191312397, ClinGen allele CA79035931.